The following is an entry in ClinVar:

ClinVar aggregate classification (germline): Uncertain significance (1 of 4 stars; one submission).

Submission:

Labcorp Genetics (formerly Invitae), Labcorp
Classification: Uncertain significance. Last evaluated: 2025-06-15. Review status: criteria provided, single submitter. Criteria: Invitae Variant Classification Sherloc (09022015). Collection method: clinical testing. Allele origin: germline.
Comment: This sequence change replaces isoleucine, which is neutral and non-polar, with methionine, which is neutral and non-polar, at codon 669 of the GUCY2C protein (p.Ile669Met). This variant is not present in population databases (gnomAD no frequency). This variant has not been reported in the literature in individuals affected with GUCY2C-related conditions. Invitae Evidence Modeling of protein sequence and biophysical properties (such as structural, functional, and spatial information, amino acid conservation, physicochemical variation, residue mobility, and thermodynamic stability) indicates that this missense variant is expected to disrupt GUCY2C protein function with a positive predictive value of 80%. In summary, the available evidence is currently insufficient to determine the role of this variant in disease. Therefore, it has been classified as a Variant of Uncertain Significance.

NM_004963.4(GUCY2C):c.2007C>G (p.Ile669Met)

Gene: GUCY2C (guanylate cyclase 2C; minus strand). Cytogenetic location: 12p12.3.
Variant type: single nucleotide variant.
Coding change: c.2007C>G on transcript NM_004963.4 (MANE Select); coding-DNA position 2007, C replaced by G.
Protein change: p.Ile669Met; replaces isoleucine 669 with methionine.
Molecular consequence: missense variant.
Genome position (GRCh38, 1-based): chr12:14,641,143, G>C on the plus strand (C>G on the coding strand, the complement: GUCY2C is on the minus strand). VCF-style: chr12-14641143-G-C. GRCh37 (hg19) VCF-style: chr12-14794077-G-C.
Other names: short protein forms I669M.
Identifiers: ClinVar variation 4738297 (VCV004738297.1).